The following is an entry in ClinVar:

NM_033004.4(NLRP1):c.439C>T (p.Arg147Cys)

Gene: NLRP1 (NLR family pyrin domain containing 1; minus strand). Cytogenetic location: 17p13.2.
Variant type: single nucleotide variant.
Coding change: c.439C>T on transcript NM_033004.4 (MANE Select); coding-DNA position 439, C replaced by T.
Protein change: p.Arg147Cys; replaces arginine 147 with cysteine.
Molecular consequence: missense variant.
Genome position (GRCh38, 1-based): chr17:5,582,679, G>A on the plus strand (C>T on the coding strand, the complement: NLRP1 is on the minus strand). VCF-style: chr17-5582679-G-A. GRCh37 (hg19) VCF-style: chr17-5485999-G-A.
Other names: c.439C>T, p.Arg147Cys (NM_001033053.3, NM_014922.5, NM_033006.4 and 1 more transcripts); short protein forms R147C.
Identifiers: ClinVar variation 1016715 (VCV001016715.31), dbSNP rs147371989, ClinGen allele CA8327579.
Genomic context (GRCh38, chr17:5,582,679, plus strand): 5'-GCTGATTCACAGCTCCACCCAGGGCTGTCAGCCTGCCTCAGCAAGCCTCACCTCTCCAGC[G>A]GCGTCCAGATGTGTCAGGCAGCTGTCTCAAAACCCTTCTCTCTGAGCCCTGGGTGCACCC-3'
Protein context (NP_127497.1, residues 137-157): LRQLPDTSGR[Arg147Cys]WREISASLLY

ClinVar aggregate classification (germline): Uncertain significance. Review status: criteria provided, multiple submitters, no conflicts (2 of 4 stars). 3 submissions from 3 submitters: Uncertain significance (3). Last evaluated 2025-10-25.

Conditions:
Respiratory papillomatosis, juvenile recurrent, congenital. Identifiers: MedGen C5394112, MONDO:0032925, OMIM 618803.
Autoinflammation with arthritis and dyskeratosis (AIADK). Identifiers: MedGen C4479278, MONDO:0060457, OMIM 617388.
Corneal intraepithelial dyskeratosis-palmoplantar hyperkeratosis-laryngeal dyskeratosis syndrome. Also called: Palmoplantar carcinoma, multiple self-healing. Identifiers: Orphanet 352662, MedGen C3808876, MONDO:0014089, OMIM 615225.
Vitiligo-associated multiple autoimmune disease susceptibility 1 (VAMAS1). Also called: SYSTEMIC LUPUS ERYTHEMATOSUS, VITILIGO-RELATED. Identifiers: Orphanet 247871, MedGen C1847835, MONDO:0011684, OMIM 606579.

Allele frequency attached by ClinVar (database versions not stated): ExAC 0.00012; gnomAD exomes 0.00012 and 0.00037; TOPMed 0.00013; gnomAD 0.00015; ESP Exome Variant Server 0.00038.
gnomAD v4.1: 545 of 1,613,922 alleles (0.034%); highest among the groups gnomAD compares: Non-Finnish European, 0.045%; no homozygotes.

Submissions (3):

Labcorp Genetics (formerly Invitae), Labcorp
Classification: Uncertain significance. Last evaluated: 2025-10-25. Review status: criteria provided, single submitter. Criteria: Invitae Variant Classification Sherloc (09022015). Collection method: clinical testing. Allele origin: germline.
Comment: This sequence change replaces arginine, which is basic and polar, with cysteine, which is neutral and slightly polar, at codon 147 of the NLRP1 protein (p.Arg147Cys). This variant is present in population databases (rs147371989, gnomAD 0.02%), including at least one homozygous and/or hemizygous individual. This variant has not been reported in the literature in individuals affected with NLRP1-related conditions. ClinVar contains an entry for this variant (Variation ID: 1016715). An algorithm developed to predict the effect of missense changes on protein structure and function (PolyPhen-2) suggests that this variant is likely to be tolerated. In summary, the available evidence is currently insufficient to determine the role of this variant in disease. Therefore, it has been classified as a Variant of Uncertain Significance.

CeGaT Center for Human Genetics Tuebingen
Classification: Uncertain significance. Last evaluated: 2022-10-01. Review status: criteria provided, single submitter. Criteria: CeGaT Center For Human Genetics Tuebingen Variant Classification Criteria Version 2. Collection method: clinical testing. Allele origin: germline. Affected: yes. Observed: 1 variant allele.
Comment: NLRP1: PM2, BP4

Fulgent Genetics
Classification: Uncertain significance for Vitiligo-associated multiple autoimmune disease susceptibility 1; Corneal intraepithelial dyskeratosis-palmoplantar hyperkeratosis-laryngeal dyskeratosis syndrome; Autoinflammation with arthritis and dyskeratosis; Respiratory papillomatosis, juvenile recurrent, congenital. Last evaluated: 2022-05-12. Review status: criteria provided, single submitter. Criteria: ACMG Guidelines, 2015. Collection method: clinical testing. Allele origin: unknown.